The following is an entry in ClinVar:

NM_001330260.2(SCN8A):c.340A>G (p.Ile114Val)

Gene: SCN8A (sodium voltage-gated channel alpha subunit 8; plus strand). Cytogenetic location: 12q13.13.
Variant type: single nucleotide variant.
Coding change: c.340A>G on transcript NM_001330260.2 (MANE Select); coding-DNA position 340, A replaced by G.
Protein change: p.Ile114Val; replaces isoleucine 114 with valine.
Molecular consequence: missense variant.
Genome position (GRCh38, 1-based): chr12:51,684,237, A>G. VCF-style: chr12-51684237-A-G. GRCh37 (hg19) VCF-style: chr12-52078021-A-G.
Other names: c.340A>G, p.Ile114Val (NM_001177984.3, NM_001369788.1, NM_014191.4); short protein forms I114V.
Identifiers: ClinVar variation 309349 (VCV000309349.34), dbSNP rs527246057, ClinGen allele CA6571041.

ClinVar aggregate classification (germline): Uncertain significance. Review status: criteria provided, multiple submitters, no conflicts (2 of 4 stars). 2 submissions from 2 submitters: Uncertain significance (2). Last evaluated 2025-04-08.

Conditions:
Early-infantile DEE. Also called: Ohtahara syndrome; Early infantile epileptic encephalopathy with suppression bursts; Early infantile epileptic encephalopathy. Identifiers: Orphanet 1934, MedGen C0393706, MONDO:0800491.

Allele frequency attached by ClinVar (database versions not stated): TOPMed 0.00001; ExAC 0.00002; gnomAD 0.00002; gnomAD exomes 0.00002 and 0.00004.
gnomAD v4.1: 65 of 1,609,630 alleles (0.004%); highest among the groups gnomAD compares: Non-Finnish European, 0.0055%; no homozygotes.

Submissions (2):

Labcorp Genetics (formerly Invitae), Labcorp
Classification: Uncertain significance for Early-infantile DEE. Last evaluated: 2025-04-08. Review status: criteria provided, single submitter. Criteria: Invitae Variant Classification Sherloc (09022015). Collection method: clinical testing. Allele origin: germline.
Comment: This sequence change replaces isoleucine, which is neutral and non-polar, with valine, which is neutral and non-polar, at codon 114 of the SCN8A protein (p.Ile114Val). This variant is present in population databases (rs527246057, gnomAD 0.005%). This variant has not been reported in the literature in individuals affected with SCN8A-related conditions. ClinVar contains an entry for this variant (Variation ID: 309349). Invitae Evidence Modeling of protein sequence and biophysical properties (such as structural, functional, and spatial information, amino acid conservation, physicochemical variation, residue mobility, and thermodynamic stability) indicates that this missense variant is not expected to disrupt SCN8A protein function with a negative predictive value of 95%. Algorithms developed to predict the effect of sequence changes on RNA splicing suggest that this variant may create or strengthen a splice site. In summary, the available evidence is currently insufficient to determine the role of this variant in disease. Therefore, it has been classified as a Variant of Uncertain Significance.

CeGaT Center for Human Genetics Tuebingen
Classification: Uncertain significance. Last evaluated: 2023-02-01. Review status: criteria provided, single submitter. Criteria: CeGaT Center For Human Genetics Tuebingen Variant Classification Criteria Version 2. Collection method: clinical testing. Allele origin: germline. Affected: yes. Observed: 1 variant allele.